The following is an entry in ClinVar:

NM_001278116.2(L1CAM):c.2918_2919del (p.Pro973fs)

Gene: L1CAM (L1 cell adhesion molecule; minus strand). Cytogenetic location: Xq28.
Variant type: Deletion.
Coding change: c.2918_2919del on transcript NM_001278116.2 (MANE Select); coding-DNA positions 2918 to 2919, 2 bases deleted (CC; older notation c.2918_2919delCC).
Protein change: p.Pro973fs; shifts the reading frame from proline 973.
Molecular consequence: frameshift variant.
Genome position (GRCh38, 1-based): chrX:153,864,948-153,864,949, GG deleted on the plus strand (CC on the coding strand, the reverse complement: L1CAM is on the minus strand); deleting any 2 consecutive bases within chrX:153,864,948-153,864,951 gives the same sequence; the c. name uses the placement nearest the transcript's 3' end. VCF-style (leftmost placement, unchanged base first): chrX-153864947-CGG-C. GRCh37 (hg19) VCF-style: chrX-153130402-CGG-C.
Other names: c.2918_2919del, p.Pro973fs (NM_000425.5, NM_024003.3); c.2903_2904del, p.Pro968fs (NM_001143963.2); short protein forms P968fs, P973fs.
Identifiers: ClinVar variation 504061 (VCV000504061.2), dbSNP rs1557090314, ClinGen allele CA658799879.
Genomic context (GRCh38, chrX:153,864,947, plus strand): 5'-GAAGCTGGAAGCGGTACCGCAGGTGGGGGCTGAGATCGGTCAGGTTGTGTGTCCGAAGTT[CGG>C]GGTCCCGAAGGTTGAAGGACAGTTGCCCCTTGCCCCCCTCATCCACTGTGGGGACAGACA-3'

ClinVar aggregate classification (germline): Pathogenic (1 of 4 stars; one submission).

Submission:

GeneDx
Classification: Pathogenic. Last evaluated: 2018-01-03. Review status: criteria provided, single submitter. Criteria: GeneDx Variant Classification (06012015). Collection method: clinical testing. Allele origin: germline. Affected: yes.
Comment: The c.2918_2919delCC variant in the L1CAM gene has not been reported previously as a pathogenic variant nor as a benign variant, to our knowledge. The c.2918_2919delCC variant causes a frameshift starting with codon Proline 973, changes this amino acid to a Arginine residue, and creates a premature Stop codon at position 30 of the new reading frame, denoted p.Pro973ArgfsX30. This variant is predicted to cause loss of normal protein function either through protein truncation or nonsense-mediated mRNA decay. The c.2918_2919delCC variant is not observed in large population cohorts (Lek et al., 2016). We interpret c.2918_2919delCCas a pathogenic variant.